The following is an entry in ClinVar:

NM_001290208.3(ZNF717):c.2103C>T (p.Ser701=)

Gene: ZNF717 (zinc finger protein 717; minus strand). Cytogenetic location: 3p12.3.
Variant type: single nucleotide variant.
Coding change: c.2103C>T on transcript NM_001290208.3 (MANE Select); coding-DNA position 2103, C replaced by T.
Protein change: p.Ser701=; no amino-acid change (serine 701 retained).
Molecular consequence: synonymous variant. On other transcripts: intron variant (3).
Genome position (GRCh38, 1-based): chr3:75,737,520, G>A on the plus strand (C>T on the coding strand, the complement: ZNF717 is on the minus strand). VCF-style: chr3-75737520-G-A. GRCh37 (hg19) VCF-style: chr3-75786671-G-A.
Other names: c.2103C>T, p.Ser701= (NM_001128223.3, NM_001324027.1); c.1953C>T, p.Ser651= (NM_001290209.3); c.277+3756C>T (NM_001290210.2, NM_001324026.2); c.256+3756C>T (NM_001324028.1).
Identifiers: ClinVar variation 2653974 (VCV002653974.24), dbSNP rs1228399201, ClinGen allele CA434431009.

ClinVar aggregate classification (germline): Likely benign (1 of 4 stars; one submission).

Submission:

CeGaT Center for Human Genetics Tuebingen
Classification: Likely benign. Last evaluated: 2023-04-01. Review status: criteria provided, single submitter. Criteria: CeGaT Center For Human Genetics Tuebingen Variant Classification Criteria Version 2. Collection method: clinical testing. Allele origin: germline. Affected: yes. Observed: 1 variant allele.
Comment: ZNF717: PM2:Supporting, BP4, BP7